The following is an entry in ClinVar:

ClinVar aggregate classification (germline): Likely benign (1 of 4 stars; one submission).

Submission:

CeGaT Center for Human Genetics Tuebingen
Classification: Likely benign. Last evaluated: 2025-02-01. Review status: criteria provided, single submitter. Criteria: CeGaT Center For Human Genetics Tuebingen Variant Classification Criteria Version 2. Collection method: clinical testing. Allele origin: germline. Affected: yes. Observed: 1 variant allele.
Comment: NEDD4L: PM2:Supporting, BP4, BP7

NM_001144967.3(NEDD4L):c.1110T>G (p.Gly370=)

Gene: NEDD4L (NEDD4 like E3 ubiquitin protein ligase; plus strand). Cytogenetic location: 18q21.31.
Variant type: single nucleotide variant.
Coding change: c.1110T>G on transcript NM_001144967.3 (MANE Select); coding-DNA position 1110, T replaced by G.
Protein change: p.Gly370=; no amino-acid change (glycine 370 retained).
Molecular consequence: synonymous variant. On other transcripts: intron variant (5).
Genome position (GRCh38, 1-based): chr18:58,335,522, T>G. VCF-style: chr18-58335522-T-G. GRCh37 (hg19) VCF-style: chr18-56002754-T-G.
Other names: c.747T>G, p.Gly249= (NM_001144964.1, NM_001144965.2, NM_001144966.3); c.1086T>G, p.Gly362= (NM_001144968.2); c.1065+1630T>G (NM_015277.6, NM_001243960.2); c.702+1630T>G (NM_001144971.2, NM_001144970.3); c.1041+1630T>G (NM_001144969.2).
Identifiers: ClinVar variation 3771522 (VCV003771522.13).
Genomic context (GRCh38, chr18:58,335,522, plus strand): 5'-AAATTATCATTCACAGCCCAGTGCCCCAGCTGGGAGAGCGCGTTCATCAACTGTCACGGG[T>G]GGTGAGGAACCAACGGTAATGATCCACTTTATCAGACATCAATAGCAAGAGGCCGTGAGG-3'
Protein context (NP_001138439.1, residues 360-380): AGRARSSTVT[Gly370=]GEEPTPSVAY